The following is an entry in ClinVar:

ClinVar aggregate classification (germline): Benign/Likely benign. Review status: criteria provided, multiple submitters, no conflicts (2 of 4 stars). 12 submissions from 12 submitters: Benign (8); Likely benign (2). 2 of the submissions do not count toward it. Last evaluated 2026-02-04.

Conditions:
Bardet-Biedl syndrome (BBS). Identifiers: Orphanet 110, MedGen C0752166, MONDO:0015229.
Bardet-Biedl syndrome 1 (BBS1). Identifiers: MedGen C2936862, MONDO:0008854, OMIM 209900. Disease mechanism: loss of function.
Bardet-Biedl syndrome 12 (BBS12). Identifiers: Orphanet 110, MedGen C1859570, MONDO:0014440, OMIM 615989.

Allele frequency attached by ClinVar (database versions not stated): gnomAD 0.03210 and 0.03441; ESP Exome Variant Server 0.03560; gnomAD exomes 0.00899; ExAC 0.01052; TOPMed 0.03674; 1000 Genomes Project 0.03714; 1000 Genomes Project 30x 0.04060.
gnomAD v4.1: 10,217 of 1,614,148 alleles (0.63%); highest among the groups gnomAD compares: African/African-American, 11%; 488 homozygotes.

Submissions (12):

Labcorp Genetics (formerly Invitae), Labcorp
Classification: Benign for Bardet-Biedl syndrome. Last evaluated: 2026-02-04. Review status: criteria provided, single submitter. Criteria: Invitae Variant Classification Sherloc (09022015). Collection method: clinical testing. Allele origin: germline.

Mayo Clinic Laboratories, Mayo Clinic
Classification: Benign. Last evaluated: 2023-10-05. Review status: criteria provided, single submitter. Criteria: ACMG Guidelines, 2015. Collection method: clinical testing. Allele origin: germline. Observed: 2 variant alleles.
Comment: BS1, BP4_strong

Women's Health and Genetics/Laboratory Corporation of America, LabCorp
Classification: Likely benign. Last evaluated: 2022-02-18. Review status: criteria provided, single submitter. Criteria: LabCorp Variant Classification Summary - May 2015. Collection method: clinical testing. Allele origin: germline.

GeneDx
Classification: Benign. Last evaluated: 2021-05-05. Review status: criteria provided, single submitter. Criteria: GeneDx Variant Classification Process June 2021. Collection method: clinical testing. Allele origin: germline. Affected: yes.
Comment: This variant is associated with the following publications: (PMID: 20498079)

Illumina Laboratory Services, Illumina
Classification: Benign for Bardet-Biedl syndrome 12. Last evaluated: 2018-01-13. Review status: criteria provided, single submitter. Criteria: ICSL Variant Classification Criteria 13 December 2019. Collection method: clinical testing. Allele origin: germline.
Comment: This variant was observed in the ICSL laboratory as part of a predisposition screen in an ostensibly healthy population. It had not been previously curated by ICSL or reported in the Human Gene Mutation Database (HGMD: prior to June 1st, 2018), and was therefore a candidate for classification through an automated scoring system. Utilizing variant allele frequency, disease prevalence and penetrance estimates, and inheritance mode, an automated score was calculated to assess if this variant is too frequent to cause the disease. Based on the score and internal cut-off values, a variant classified as benign is not then subjected to further curation. The score for this variant resulted in a classification of benign for this disease.

Clinical Genetics DNA and cytogenetics Diagnostics Lab, Erasmus MC, Erasmus Medical Center
Classification: Benign for Bardet-Biedl syndrome 1. Last evaluated: 2015-09-21. Review status: criteria provided, single submitter. Criteria: ACGS Guidelines, 2013. Collection method: clinical testing. Allele origin: germline. Affected: yes. Study: VKGL Data-share Consensus.

Eurofins Ntd Llc (ga)
Classification: Benign. Last evaluated: 2015-05-29. Review status: criteria provided, single submitter. Criteria: EGL Classification Definitions 2015. Collection method: clinical testing. Allele origin: germline. Observed: 1 variant allele, 1 heterozygote.

Genome Diagnostics Laboratory, University Medical Center Utrecht
Classification: Benign for Bardet-Biedl syndrome 1. Last evaluated: 2014-12-15. Review status: criteria provided, single submitter. Criteria: ACGS Guidelines, 2013. Collection method: clinical testing. Allele origin: germline. Affected: yes. Study: VKGL Data-share Consensus.

Breakthrough Genomics
Classification: Likely benign. Review status: criteria provided, single submitter. Criteria: ACMG Guidelines, 2015. Collection method: not provided. Allele origin: germline. Inheritance: Autosomal recessive inheritance. Affected: yes.

PreventionGenetics, part of Exact Sciences
Classification: Benign. Review status: criteria provided, single submitter. Criteria: ACMG Guidelines, 2015. Collection method: clinical testing. Allele origin: germline.

Natera, Inc.
Classification: Benign for Bardet-Biedl syndrome type 12. Last evaluated: 2020-09-16. Review status: no assertion criteria provided. Collection method: clinical testing. Allele origin: germline. Not counted in ClinVar's aggregate classification.

Genome Diagnostics Laboratory, Amsterdam University Medical Center
Classification: Benign for Bardet-Biedl syndrome 1. Last evaluated: 2017-04-19. Review status: no assertion criteria provided. Criteria: ACGS Guidelines, 2013. Collection method: clinical testing. Allele origin: germline. Affected: yes. Study: VKGL Data-share Consensus. Not counted in ClinVar's aggregate classification.

Literature cited by the submitters: PubMed 20498079 (cited by Mayo Clinic Laboratories, Mayo Clinic).

NM_152618.3(BBS12):c.1286G>C (p.Ser429Thr)

Gene: BBS12 (Bardet-Biedl syndrome 12; plus strand). Cytogenetic location: 4q27.
Variant type: single nucleotide variant.
Coding change: c.1286G>C on transcript NM_152618.3 (MANE Select); coding-DNA position 1286, G replaced by C.
Protein change: p.Ser429Thr; replaces serine 429 with threonine.
Molecular consequence: missense variant.
Genome position (GRCh38, 1-based): chr4:122,743,178, G>C. VCF-style: chr4-122743178-G-C. GRCh37 (hg19) VCF-style: chr4-123664333-G-C.
Other names: c.1286G>C, p.Ser429Thr (NM_001178007.2); short protein forms S429T.
Identifiers: ClinVar variation 195416 (VCV000195416.27), dbSNP rs7665271, ClinGen allele CA201724.
Genomic context (GRCh38, chr4:122,743,178, plus strand): 5'-TGAACCTTGTCCTGGTACAAGGAAATGTGTCCGAACGCTTAATTGAAAAATGTATAAACA[G>C]TAAGCGGTTGGTAATCGGCTCAGTGAATGGCAGTGTGATGCAGGCTTTTGCAGAGGCTGC-3'
Protein context (NP_689831.2, residues 419-439): SERLIEKCIN[Ser429Thr]KRLVIGSVNG